The following is an entry in ClinVar:

ClinVar aggregate classification (germline): Likely benign. Review status: criteria provided, multiple submitters, no conflicts (2 of 4 stars). 3 submissions from 3 submitters: Likely benign (3). Last evaluated 2026-03-12.

Conditions:
TBXA2R-related disorder. Also called: TBXA2R-related condition.

Allele frequency attached by ClinVar (database versions not stated): ESP Exome Variant Server 0.00016; 1000 Genomes Project 0.00020; gnomAD exomes 0.00024; 1000 Genomes Project 30x 0.00031; TOPMed 0.00037; gnomAD 0.00039; ExAC 0.00049.

Submissions (3):

PreventionGenetics, part of Exact Sciences
Classification: Likely benign for TBXA2R-related condition. Last evaluated: 2026-03-12. Review status: criteria provided, single submitter. Criteria: ACMG Guidelines, 2015. Collection method: clinical testing. Allele origin: germline.
Comment: This variant is classified as likely benign based on ACMG/AMP sequence variant interpretation guidelines (Richards et al. 2015 PMID: 25741868, with internal and published modifications).

Labcorp Genetics (formerly Invitae), Labcorp
Classification: Likely benign. Last evaluated: 2025-12-16. Review status: criteria provided, single submitter. Criteria: Invitae Variant Classification Sherloc (09022015). Collection method: clinical testing. Allele origin: germline.

Blueprint Genetics
Classification: Likely benign. Last evaluated: 2024-11-26. Review status: criteria provided, single submitter. Criteria: ACMG Guidelines, 2015. Collection method: clinical testing. Allele origin: germline.

NM_001060.6(TBXA2R):c.951G>A (p.Arg317=)

Gene: TBXA2R (thromboxane A2 receptor; minus strand). Cytogenetic location: 19p13.3.
Variant type: single nucleotide variant.
Coding change: c.951G>A on transcript NM_001060.6 (MANE Select); coding-DNA position 951, G replaced by A.
Protein change: p.Arg317=; no amino-acid change (arginine 317 retained).
Molecular consequence: synonymous variant.
Genome position (GRCh38, 1-based): chr19:3,595,769, C>T on the plus strand (G>A on the coding strand, the complement: TBXA2R is on the minus strand). VCF-style: chr19-3595769-C-T. GRCh37 (hg19) VCF-style: chr19-3595767-C-T.
Other names: c.951G>A, p.Arg317= (NM_201636.3); c.951G>A (NM_201636.2).
Identifiers: ClinVar variation 2064294 (VCV002064294.6), dbSNP rs201199706, ClinGen allele CA9080732.